The following is an entry in ClinVar:

ClinVar aggregate classification (germline): Uncertain significance (1 of 4 stars; one submission).

Conditions:
Inborn genetic diseases. Identifiers: MedGen C0950123, MeSH D030342.

gnomAD v4.1: 1 of 1,614,136 alleles (0.000062%); highest among the groups gnomAD compares: Non-Finnish European, 0.000085%; no homozygotes.

Submission:

Ambry Genetics
Classification: Uncertain significance for Inborn genetic diseases. Last evaluated: 2025-05-28. Review status: criteria provided, single submitter. Criteria: Ambry Variant Classification Scheme 2023. Collection method: clinical testing. Allele origin: germline.
Comment: The p.I475V variant (also known as c.1423A>G), located in coding exon 14 of the DDX41 gene, results from an A to G substitution at nucleotide position 1423. The isoleucine at codon 475 is replaced by valine, an amino acid with highly similar properties. This amino acid position is conserved. In addition, this alteration is predicted to be tolerated by in silico analysis. Based on the available evidence, the clinical significance of this variant remains unclear.

NM_016222.4(DDX41):c.1423A>G (p.Ile475Val)

Gene: DDX41 (DEAD-box helicase 41; minus strand). Cytogenetic location: 5q35.3.
Variant type: single nucleotide variant.
Coding change: c.1423A>G on transcript NM_016222.4 (MANE Select); coding-DNA position 1423, A replaced by G.
Protein change: p.Ile475Val; replaces isoleucine 475 with valine.
Molecular consequence: missense variant.
Genome position (GRCh38, 1-based): chr5:177,512,622, T>C on the plus strand (A>G on the coding strand, the complement: DDX41 is on the minus strand). VCF-style: chr5-177512622-T-C. GRCh37 (hg19) VCF-style: chr5-176939623-T-C.
Other names: c.1045A>G, p.Ile349Val (NM_001321732.2, NM_001321830.2); short protein forms I475V, I349V.
Identifiers: ClinVar variation 4010370 (VCV004010370.1).